The following is an entry in ClinVar:

NM_001197104.2(KMT2A):c.4547C>A (p.Thr1516Asn)

Gene: KMT2A (lysine methyltransferase 2A; plus strand). Cytogenetic location: 11q23.3.
Variant type: single nucleotide variant.
Coding change: c.4547C>A on transcript NM_001197104.2 (MANE Select); coding-DNA position 4547, C replaced by A.
Protein change: p.Thr1516Asn; replaces threonine 1516 with asparagine.
Molecular consequence: missense variant.
Genome position (GRCh38, 1-based): chr11:118,489,859, C>A. VCF-style: chr11-118489859-C-A. GRCh37 (hg19) VCF-style: chr11-118360574-C-A.
Other names: c.4646C>A, p.Thr1549Asn (NM_001412597.1); c.4547C>A, p.Thr1516Asn (NM_005933.4); short protein forms T1516N, T1549N.
Identifiers: ClinVar variation 4800535 (VCV004800535.1).

ClinVar aggregate classification (germline): Uncertain significance (1 of 4 stars; one submission).

gnomAD v4.1: 1 of 1,614,136 alleles (0.000062%); highest among the groups gnomAD compares: Admixed American, 0.0017%; no homozygotes.

Submission:

Labcorp Genetics (formerly Invitae), Labcorp
Classification: Uncertain significance. Last evaluated: 2025-07-03. Review status: criteria provided, single submitter. Criteria: Invitae Variant Classification Sherloc (09022015). Collection method: clinical testing. Allele origin: germline.
Comment: This sequence change replaces threonine, which is neutral and polar, with asparagine, which is neutral and polar, at codon 1516 of the KMT2A protein (p.Thr1516Asn). This variant is present in population databases (no rsID available, gnomAD 0.003%). This variant has not been reported in the literature in individuals affected with KMT2A-related conditions. Invitae Evidence Modeling of protein sequence and biophysical properties (such as structural, functional, and spatial information, amino acid conservation, physicochemical variation, residue mobility, and thermodynamic stability) has been performed for this missense variant. However, the output from this modeling did not meet the statistical confidence thresholds required to predict the impact of this variant on KMT2A protein function. In summary, the available evidence is currently insufficient to determine the role of this variant in disease. Therefore, it has been classified as a Variant of Uncertain Significance.